The following is an entry in ClinVar:

ClinVar aggregate classification (germline): Uncertain significance (1 of 4 stars; one submission).

Submission:

Institute of Human Genetics, Clinical Exome/Genome Diagnostics Group, University Hospital Bonn
Classification: Uncertain significance. Last evaluated: 2022-02-18. Review status: criteria provided, single submitter. Criteria: ACMG Guidelines, 2015. Collection method: clinical testing. Allele origin: germline. Affected: yes.
Comment: PM2, PP2, PP3

NM_001165963.4(SCN1A):c.475T>C (p.Tyr159His)

Gene: SCN1A (sodium voltage-gated channel alpha subunit 1; minus strand). Cytogenetic location: 2q24.3.
Variant type: single nucleotide variant.
Coding change: c.475T>C on transcript NM_001165963.4 (MANE Select); coding-DNA position 475, T replaced by C.
Protein change: p.Tyr159His; replaces tyrosine 159 with histidine.
Molecular consequence: missense variant. On other transcripts: 5 prime UTR variant (1), non-coding transcript variant (1).
Genome position (GRCh38, 1-based): chr2:166,054,765, A>G on the plus strand (T>C on the coding strand, the complement: SCN1A is on the minus strand). VCF-style: chr2-166054765-A-G. GRCh37 (hg19) VCF-style: chr2-166911275-A-G.
Other names: c.475T>C, p.Tyr159His (NM_001165964.3, NM_001202435.3, NM_001353948.2 and 10 more transcripts); c.-1951T>C (NM_001353961.2); short protein forms Y159H.
Identifiers: ClinVar variation 1343284 (VCV001343284.1), dbSNP rs2105902773, ClinGen allele CA349075740.